The following is an entry in ClinVar:

NM_177550.5(SLC13A5):c.1280C>T (p.Ser427Leu)

Gene: SLC13A5 (solute carrier family 13 member 5; minus strand). Cytogenetic location: 17p13.1.
Variant type: single nucleotide variant.
Coding change: c.1280C>T on transcript NM_177550.5 (MANE Select); coding-DNA position 1280, C replaced by T.
Protein change: p.Ser427Leu; replaces serine 427 with leucine.
Molecular consequence: missense variant.
Genome position (GRCh38, 1-based): chr17:6,690,936, G>A on the plus strand (C>T on the coding strand, the complement: SLC13A5 is on the minus strand). VCF-style: chr17-6690936-G-A. GRCh37 (hg19) VCF-style: chr17-6594255-G-A.
Other names: SLC13A5, SER427LEU (rs548065551); NM_177550.4(SLC13A5):c.1280C>T; p.Ser427Leu; c.1280C>T, p.Ser427Leu (NM_001143838.3); c.1229C>T, p.Ser410Leu (NM_001284509.2); c.1151C>T, p.Ser384Leu (NM_001284510.2); short protein forms S427L, S384L, S410L.
Identifiers: ClinVar variation 218170 (VCV000218170.16), dbSNP rs548065551, ClinGen allele CA210672.

ClinVar aggregate classification (germline): Pathogenic/Likely pathogenic. Review status: criteria provided, multiple submitters, no conflicts (2 of 4 stars). 5 submissions from 5 submitters: Pathogenic (2); Likely pathogenic (1). 2 of the submissions do not count toward it. Last evaluated 2024-10-14.

Conditions:
SLC13A5-related disorder. Also called: SLC13A5-related condition.
Developmental and epileptic encephalopathy, 25 (DEE25). Also called: Epileptic encephalopathy, early infantile, 25; Developmental and epileptic encephalopathy 25, with amelogenesis imperfecta; Epileptic encephalopathy, early infantile, 25, with amelogenesis imperfecta. Identifiers: Orphanet 442835, MedGen C4014621, MONDO:0014392, OMIM 615905.

Allele frequency attached by ClinVar (database versions not stated): gnomAD exomes below 0.00001 and 0.00001; ExAC 0.00001; gnomAD 0.00001; TOPMed 0.00001.
gnomAD v4.1: 14 of 1,602,952 alleles (0.00087%); highest among the groups gnomAD compares: Non-Finnish European, 0.0012%; no homozygotes.

Submissions (5):

Labcorp Genetics (formerly Invitae), Labcorp
Classification: Pathogenic for Developmental and epileptic encephalopathy, 25. Last evaluated: 2024-10-14. Review status: criteria provided, single submitter. Criteria: Invitae Variant Classification Sherloc (09022015). Collection method: clinical testing. Allele origin: germline.
Comment: This sequence change replaces serine, which is neutral and polar, with leucine, which is neutral and non-polar, at codon 427 of the SLC13A5 protein (p.Ser427Leu). This variant is present in population databases (rs548065551, gnomAD no frequency). This missense change has been observed in individuals with clinical features of epileptic encephalopathy (PMID: 26384929, 27913086). It has also been observed to segregate with disease in related individuals. ClinVar contains an entry for this variant (Variation ID: 218170). Invitae Evidence Modeling of protein sequence and biophysical properties (such as structural, functional, and spatial information, amino acid conservation, physicochemical variation, residue mobility, and thermodynamic stability) indicates that this missense variant is expected to disrupt SLC13A5 protein function with a positive predictive value of 80%. Experimental studies have shown that this missense change affects SLC13A5 function (PMID: 26384929). For these reasons, this variant has been classified as Pathogenic.

Blueprint Genetics
Classification: Pathogenic for SLC13A5-related disorders. Last evaluated: 2023-10-30. Review status: criteria provided, single submitter. Criteria: ACMG Guidelines, 2015. Collection method: clinical testing. Allele origin: germline. Affected: yes. Observed: 2 variant alleles.

Broad Center for Mendelian Genomics, Broad Institute of MIT and Harvard
Classification: Likely pathogenic for Developmental and epileptic encephalopathy, 25. Last evaluated: 2021-11-02. Review status: criteria provided, single submitter. Criteria: ACMG Guidelines, 2015. Collection method: curation. Allele origin: germline. Inheritance: Autosomal recessive inheritance.
Comment: The p.Ser427Leu variant in SLC13A5 has been reported in 9 individuals with developmental and epileptic encephalopathy (PMID: 27913086, 26384929, 33063863, 27652284), segregated with disease in 3 affected relatives from 3 families (PMID: 27913086, 26384929), and has been identified in in 0.0009% (1/110,052) of European (Non-Finnish) chromosomes by the Genome Aggregation Database (gnomAD; dbSNP ID: rs548065551). Although this variant has been seen in the general population in a heterozygous state, its frequency is low enough to be consistent with a recessive carrier frequency. This variant has also been reported in ClinVar (Variation ID#: 218170) and has been interpreted as pathogenic by OMIM and Invitae. Of the 9 affected individuals, 2 were homozygotes, 2 were compound heterozygotes that carried a reported pathogenic or likely pathogenic variant in trans, which increases the likelihood that the p.Ser427Leu variant is pathogenic (VariationID: 140753, 140752; PMID: 27913086, 27652284, 33063863). In vitro functional studies provide some evidence that the p.Ser427Leu variant may slightly impact protein function (PMID: 26384929). However, these types of assays may not accurately represent biological function. Computational prediction tools and conservation analyses do not provide strong support for or against an impact to the protein. In summary, although additional studies are required to fully establish its clinical significance, this variant is likely pathogenic for autosomal recessive developmental and epileptic encephalopathy. ACMG/AMP Criteria applied: PM2_supporting, PM3, PP1_strong, PS3_supporting (Richards 2015).

PreventionGenetics, part of Exact Sciences
Classification: Likely pathogenic for SLC13A5-related condition. Last evaluated: 2024-02-15. Review status: no assertion criteria provided. Collection method: clinical testing. Allele origin: germline. Not counted in ClinVar's aggregate classification.
Comment: The SLC13A5 c.1280C>T variant is predicted to result in the amino acid substitution p.Ser427Leu. This variant was reported in the homozygous or compound heterozygous state in several families with epileptic encephalopathy or neonatal seizures (Weeke et al. 2017. PubMed ID: 27913086; Hardies et al. 2015. PubMed ID: 26384929). Functional studies showed that p.Ser427Leu substitution leads to a loss of citrate uptake due to a loss-of-function mechanism. Taken together, we classify this variant as likely pathogenic.

OMIM
Classification: Pathogenic for DEVELOPMENTAL AND EPILEPTIC ENCEPHALOPATHY 25 WITH AMELOGENESIS IMPERFECTA. Last evaluated: 2015-11-01. Review status: no assertion criteria provided. Collection method: literature only. Allele origin: germline. Not counted in ClinVar's aggregate classification.

Literature cited by the submitters: PubMed 26384929 (cited by 3 submitters); PubMed 27913086 (cited by Labcorp Genetics (formerly Invitae), Labcorp).